The following is an entry in ClinVar:

NM_002982.4(CCL2):c.144C>T (p.Leu48=)

Gene: CCL2 (C-C motif chemokine ligand 2; plus strand). Cytogenetic location: 17q12.
Variant type: single nucleotide variant.
Coding change: c.144C>T on transcript NM_002982.4 (MANE Select); coding-DNA position 144, C replaced by T.
Protein change: p.Leu48=; no amino-acid change (leucine 48 retained).
Molecular consequence: synonymous variant.
Genome position (GRCh38, 1-based): chr17:34,256,289, C>T. VCF-style: chr17-34256289-C-T. GRCh37 (hg19) VCF-style: chr17-32583308-C-T.
Identifiers: ClinVar variation 3035468 (VCV003035468.2), dbSNP rs138768575, ClinGen allele CA8495440.

ClinVar aggregate classification (germline): Likely benign (0 of 4 stars; one submission).

Conditions:
CCL2-related disorder. Also called: CCL2-related condition.

Allele frequency attached by ClinVar (database versions not stated): ExAC 0.00004; ESP Exome Variant Server 0.00023.

Submission:

PreventionGenetics, part of Exact Sciences
Classification: Likely benign for CCL2-related condition. Last evaluated: 2019-07-31. Review status: no assertion criteria provided. Collection method: clinical testing. Allele origin: germline.
Comment: This variant is classified as likely benign based on ACMG/AMP sequence variant interpretation guidelines (Richards et al. 2015 PMID: 25741868, with internal and published modifications).